The following is an entry in ClinVar:

NM_001164277.2(SLC37A4):c.180T>G (p.Tyr60Ter)

Gene: SLC37A4 (solute carrier family 37 member 4; minus strand). Cytogenetic location: 11q23.3.
Variant type: single nucleotide variant.
Coding change: c.180T>G on transcript NM_001164277.2 (MANE Select); coding-DNA position 180, T replaced by G.
Protein change: p.Tyr60Ter; replaces tyrosine 60 with a stop codon.
Molecular consequence: nonsense. On other transcripts: 5 prime UTR variant (1).
Genome position (GRCh38, 1-based): chr11:119,028,395, A>C on the plus strand (T>G on the coding strand, the complement: SLC37A4 is on the minus strand). VCF-style: chr11-119028395-A-C. GRCh37 (hg19) VCF-style: chr11-118899105-A-C.
Other names: c.180T>G, p.Tyr60Ter (NM_001164278.2, NM_001164280.2, NM_001467.6); c.-40T>G (NM_001164279.2); short protein forms Y60*.
Identifiers: ClinVar variation 2851502 (VCV002851502.4), dbSNP rs2497033470, ClinGen allele CA382906340.

ClinVar aggregate classification (germline): Pathogenic. Review status: criteria provided, multiple submitters, no conflicts (2 of 4 stars). 2 submissions from 2 submitters: Pathogenic (2). Last evaluated 2025-07-14.

Conditions:
Glycogen storage disease, type I. Identifiers: Orphanet 364, MedGen C0017920, MONDO:0002413.
Glucose-6-phosphate transport defect (GSD1B). Also called: Glycogen Storage Disease Type Ib; GSD Ib. Identifiers: Orphanet 364, Orphanet 79259, MedGen C0268146, MONDO:0009288, OMIM 232220.

Submissions (2):

Myriad Genetics, Inc.
Classification: Pathogenic for Glycogen storage disease, type I. Last evaluated: 2025-07-14. Review status: criteria provided, single submitter. Criteria: Myriad Autosomal Dominant, Autosomal Recessive and X-Linked Classification Criteria (2023). Collection method: clinical testing. Allele origin: unknown.
Comment: NM_001164277.1(SLC37A4):c.180T>G(Y60*) is a nonsense variant classified as pathogenic in the context of glycogen storage disease type Ib. Y60* has not been observed in cases with relevant disease. Relevant functional assessments of this variant are not available in the literature. Y60* has not been observed in referenced population frequency databases. In summary, NM_001164277.1(SLC37A4):c.180T>G(Y60*) is a nonsense variant in a gene where loss of function is a known mechanism of disease and is predicted to disrupt protein function. Please note: this variant was assessed in the context of healthy population screening.

Labcorp Genetics (formerly Invitae), Labcorp
Classification: Pathogenic for Glucose-6-phosphate transport defect. Last evaluated: 2023-04-01. Review status: criteria provided, single submitter. Criteria: Invitae Variant Classification Sherloc (09022015). Collection method: clinical testing. Allele origin: germline.
Comment: This sequence change creates a premature translational stop signal (p.Tyr60*) in the SLC37A4 gene. It is expected to result in an absent or disrupted protein product. Loss-of-function variants in SLC37A4 are known to be pathogenic (PMID: 9758626, 10940311). This variant is not present in population databases (gnomAD no frequency). This variant has not been reported in the literature in individuals affected with SLC37A4-related conditions. Algorithms developed to predict the effect of sequence changes on RNA splicing suggest that this variant may disrupt the consensus splice site. For these reasons, this variant has been classified as Pathogenic.

Literature cited by the submitters: PubMed 9758626 (cited by Labcorp Genetics (formerly Invitae), Labcorp); PubMed 10940311 (cited by Labcorp Genetics (formerly Invitae), Labcorp).